The following is an entry in ClinVar:

ClinVar aggregate classification (germline): Uncertain significance (1 of 4 stars; one submission).

Submission:

Ambry Genetics
Classification: Uncertain significance. Last evaluated: 2024-11-02. Review status: criteria provided, single submitter. Criteria: Ambry Variant Classification Scheme 2023. Collection method: clinical testing. Allele origin: germline.
Comment: The p.V823D variant (also known as c.2468T>A), located in coding exon 4 of the ALPK2 gene, results from a T to A substitution at nucleotide position 2468. The valine at codon 823 is replaced by aspartic acid, an amino acid with highly dissimilar properties. This amino acid position is conserved. In addition, this alteration is predicted to be tolerated by in silico analysis. Based on the available evidence, the clinical significance of this variant remains unclear.

NM_052947.4(ALPK2):c.2468T>A (p.Val823Asp)

Gene: ALPK2 (alpha kinase 2; minus strand). Cytogenetic location: 18q21.31.
Variant type: single nucleotide variant.
Coding change: c.2468T>A on transcript NM_052947.4 (MANE Select); coding-DNA position 2468, T replaced by A.
Protein change: p.Val823Asp; replaces valine 823 with aspartic acid.
Molecular consequence: missense variant.
Genome position (GRCh38, 1-based): chr18:58,537,719, A>T on the plus strand (T>A on the coding strand, the complement: ALPK2 is on the minus strand). VCF-style: chr18-58537719-A-T. GRCh37 (hg19) VCF-style: chr18-56204951-A-T.
Other names: short protein forms V823D.
Identifiers: ClinVar variation 3531928 (VCV003531928.1).
Genomic context (GRCh38, chr18:58,537,719, plus strand): 5'-GCCAGTTCCGTATCTACAGAGCAAATTTCTTGAGGCGAATATTTATCAACTGGTCTCCCA[A>T]CAAGAGAATCTATGGTATCAAAACACGTTCCTTGGTCACCAGCCTCAAAACACTCCATTG-3'
Protein context (NP_443179.3, residues 813-833): GTCFDTIDSL[Val823Asp]GRPVDKYSPQ